The following is an entry in ClinVar:

NM_152296.5(ATP1A3):c.1081T>C (p.Ser361Pro)

Gene: ATP1A3 (ATPase Na+/K+ transporting subunit alpha 3; minus strand). Cytogenetic location: 19q13.2.
Variant type: single nucleotide variant.
Coding change: c.1081T>C on transcript NM_152296.5 (MANE Select); coding-DNA position 1081, T replaced by C.
Protein change: p.Ser361Pro; replaces serine 361 with proline.
Molecular consequence: missense variant.
Genome position (GRCh38, 1-based): chr19:41,982,019, A>G on the plus strand (T>C on the coding strand, the complement: ATP1A3 is on the minus strand). VCF-style: chr19-41982019-A-G. GRCh37 (hg19) VCF-style: chr19-42486171-A-G.
Other names: c.1114T>C, p.Ser372Pro (NM_001256213.2); c.1120T>C, p.Ser374Pro (NM_001256214.2); short protein forms S361P, S372P, S374P.
Identifiers: ClinVar variation 1321206 (VCV001321206.3), dbSNP rs2145972497, ClinGen allele CA406051224.

ClinVar aggregate classification (germline): Pathogenic/Likely pathogenic. Review status: criteria provided, multiple submitters, no conflicts (2 of 4 stars). 3 submissions from 3 submitters: Pathogenic (1); Likely pathogenic (1). 1 of the submissions does not count toward it. Last evaluated 2025-02-09.

Conditions:
ATP1A3-related disorder. Also called: ATP1A3-related disorders; ATP1A3-related condition. Identifiers: MedGen CN381097.
Dystonia 12 (DYT12). Also called: DYT-ATP1A3; Rapid-Onset Dystonia-Parkinsonism (RDP). Identifiers: Orphanet 71517, MedGen C1868681, MONDO:0007496, OMIM 128235.
Developmental and epileptic encephalopathy 99. Identifiers: MedGen C5562018, MONDO:0030473, OMIM 619606.

Submissions (3):

Labcorp Genetics (formerly Invitae), Labcorp
Classification: Pathogenic for Dystonia 12. Last evaluated: 2025-02-09. Review status: criteria provided, single submitter. Criteria: Invitae Variant Classification Sherloc (09022015). Collection method: clinical testing. Allele origin: germline.
Comment: This sequence change replaces serine, which is neutral and polar, with proline, which is neutral and non-polar, at codon 361 of the ATP1A3 protein (p.Ser361Pro). This variant is not present in population databases (gnomAD no frequency). This missense change has been observed in individual(s) with developmental and epileptic encephalopathy (PMID: 33880529). In at least one individual the variant was observed to be de novo. ClinVar contains an entry for this variant (Variation ID: 1321206). Invitae Evidence Modeling of protein sequence and biophysical properties (such as structural, functional, and spatial information, amino acid conservation, physicochemical variation, residue mobility, and thermodynamic stability) indicates that this missense variant is expected to disrupt ATP1A3 protein function with a positive predictive value of 95%. Experimental studies have shown that this missense change affects ATP1A3 function (PMID: 33880529). For these reasons, this variant has been classified as Pathogenic.

Blueprint Genetics
Classification: Likely pathogenic for ATP1A3-related disorders. Last evaluated: 2024-04-26. Review status: criteria provided, single submitter. Criteria: ACMG Guidelines, 2015. Collection method: clinical testing. Allele origin: germline. Affected: yes. Observed: 1 variant allele.

OMIM
Classification: Pathogenic for DEVELOPMENTAL AND EPILEPTIC ENCEPHALOPATHY 99. Last evaluated: 2021-11-10. Review status: no assertion criteria provided. Collection method: literature only. Allele origin: germline. Not counted in ClinVar's aggregate classification.

Literature cited by the submitters: PubMed 33880529 (cited by Labcorp Genetics (formerly Invitae), Labcorp and OMIM).